The following is an entry in ClinVar:

NM_006015.6(ARID1A):c.1004A>G (p.Gln335Arg)

Genes: ARID1A (AT-rich interaction domain 1A; plus strand), LOC129929837 (ATAC-STARR-seq lymphoblastoid silent region 489; plus strand). Cytogenetic location: 1p36.11.
Variant type: single nucleotide variant.
Coding change: c.1004A>G on transcript NM_006015.6 (MANE Select); coding-DNA position 1004, A replaced by G.
Protein change: p.Gln335Arg; replaces glutamine 335 with arginine.
Molecular consequence: missense variant.
Genome position (GRCh38, 1-based): chr1:26,697,407, A>G. VCF-style: chr1-26697407-A-G. GRCh37 (hg19) VCF-style: chr1-27023898-A-G.
Other names: c.1004A>G, p.Gln335Arg (NM_139135.4); short protein forms Q335R.
Identifiers: ClinVar variation 3896055 (VCV003896055.1).
Genomic context (GRCh38, chr1:26,697,407, plus strand): 5'-ACTACAGTGGCGGGCCCCAGGACGGGGGCGCCGGCAAGGGCCCGGCGGACATGGCCTCGC[A>G]GTGTTGGGGGGCTGCGGCGGCGGCAGCTGCGGCGGCGGCCGCCTCGGGAGGGGCCCAACA-3'
Protein context (NP_006006.3, residues 325-345): AGKGPADMAS[Gln335Arg]CWGAAAAAAA

ClinVar aggregate classification (germline): Uncertain significance (1 of 4 stars; one submission).

Submission:

Women's Health and Genetics/Laboratory Corporation of America, LabCorp
Classification: Uncertain significance. Last evaluated: 2025-03-21. Review status: criteria provided, single submitter. Criteria: LabCorp Variant Classification Summary - May 2015. Collection method: clinical testing. Allele origin: germline.
Comment: Variant summary: ARID1A c.1004A>G (p.Gln335Arg) results in a conservative amino acid change in the encoded protein sequence. Four of five in-silico tools predict a benign effect of the variant on protein function. The frequency data for this variant in gnomAD is considered unreliable, as metrics indicate poor data quality at this position. To our knowledge, no occurrence of c.1004A>G in individuals affected with Mental Retardation, Autosomal Dominant 14 and no experimental evidence demonstrating its impact on protein function have been reported. No submitters have cited clinical-significance assessments for this variant to ClinVar. Based on the evidence outlined above, the variant was classified as uncertain significance.